The following is an entry in ClinVar:

ClinVar aggregate classification (germline): Uncertain significance (1 of 4 stars; one submission).

Conditions:
L-2-hydroxyglutaric aciduria (L2HGA). Identifiers: Orphanet 79314, MedGen C1855995, MONDO:0009370, OMIM 236792, HP:0040144.

Allele frequency attached by ClinVar (database versions not stated): ExAC 0.00001.
gnomAD v4.1: 29 of 1,613,296 alleles (0.0018%); highest among the groups gnomAD compares: Non-Finnish European, 0.0022%; no homozygotes.

Submission:

Labcorp Genetics (formerly Invitae), Labcorp
Classification: Uncertain significance for L-2-hydroxyglutaric aciduria. Last evaluated: 2022-05-29. Review status: criteria provided, single submitter. Criteria: Invitae Variant Classification Sherloc (09022015). Collection method: clinical testing. Allele origin: germline.
Comment: This sequence change replaces proline, which is neutral and non-polar, with serine, which is neutral and polar, at codon 340 of the L2HGDH protein (p.Pro340Ser). This variant is present in population databases (rs771680443, gnomAD 0.003%). This variant has not been reported in the literature in individuals affected with L2HGDH-related conditions. Algorithms developed to predict the effect of missense changes on protein structure and function (SIFT, PolyPhen-2, Align-GVGD) all suggest that this variant is likely to be tolerated. In summary, the available evidence is currently insufficient to determine the role of this variant in disease. Therefore, it has been classified as a Variant of Uncertain Significance.

NM_024884.3(L2HGDH):c.1018C>T (p.Pro340Ser)

Gene: L2HGDH (L-2-hydroxyglutarate dehydrogenase; minus strand). Cytogenetic location: 14q21.3.
Variant type: single nucleotide variant.
Coding change: c.1018C>T on transcript NM_024884.3 (MANE Select); coding-DNA position 1018, C replaced by T.
Protein change: p.Pro340Ser; replaces proline 340 with serine.
Molecular consequence: missense variant.
Genome position (GRCh38, 1-based): chr14:50,267,799, G>A on the plus strand (C>T on the coding strand, the complement: L2HGDH is on the minus strand). VCF-style: chr14-50267799-G-A. GRCh37 (hg19) VCF-style: chr14-50734517-G-A.
Other names: short protein forms P340S.
Identifiers: ClinVar variation 2191332 (VCV002191332.1), dbSNP rs771680443, ClinGen allele CA7177823.